The following is an entry in ClinVar:

NM_000053.4(ATP7B):c.2691dup (p.Gln898fs)

Gene: ATP7B (ATPase copper transporting beta; minus strand). Cytogenetic location: 13q14.3.
Variant type: Duplication.
Coding change: c.2691dup on transcript NM_000053.4 (MANE Select); coding-DNA position 2691, one base duplicated (T; older notation c.2691dupT).
Protein change: p.Gln898fs; shifts the reading frame from glutamine 898.
Molecular consequence: frameshift variant.
Genome position (GRCh38, 1-based): chr13:51,950,046, A duplicated on the plus strand (T on the coding strand, the reverse complement: ATP7B is on the minus strand). VCF-style (leftmost placement, unchanged base first): chr13-51950045-G-GA. GRCh37 (hg19) VCF-style: chr13-52524181-G-GA.
Other names: c.2205dup, p.Gln736fs (NM_001005918.3, NM_001406541.1, NM_001406542.1 and 1 more transcripts); c.2358dup, p.Gln787fs (NM_001243182.2); c.2457dup, p.Gln820fs (NM_001330578.2, NM_001406527.1, NM_001406528.1 and 2 more transcripts); c.2439dup, p.Gln814fs (NM_001330579.2, NM_001406531.1, NM_001406532.1 and 1 more transcripts); c.2691dup, p.Gln898fs (NM_001406511.1, NM_001406512.1, NM_001406513.1 and 7 more transcripts); c.2658dup, p.Gln887fs (NM_001406514.1); c.2595dup, p.Gln866fs (NM_001406517.1, NM_001406518.1); c.2547dup, p.Gln850fs (NM_001406520.1, NM_001406521.1, NM_001406522.1 and 1 more transcripts); and 8 more; short protein forms Q755fs, Q820fs, Q839fs, Q866fs, Q887fs, Q782fs, Q788fs, Q818fs.
Identifiers: ClinVar variation 5003356 (VCV005003356.1).

ClinVar aggregate classification (germline): Pathogenic (1 of 4 stars; one submission).

Conditions:
Wilson disease (WND). Also called: Wilson's disease. Identifiers: Orphanet 905, MedGen C0019202, MONDO:0010200, OMIM 277900. Disease mechanism: loss of function.

Submission:

Myriad Genetics, Inc.
Classification: Pathogenic for Wilson disease. Last evaluated: 2026-03-12. Review status: criteria provided, single submitter. Criteria: Myriad Autosomal Dominant, Autosomal Recessive and X-Linked Classification Criteria (2023). Collection method: clinical testing. Allele origin: unknown.
Comment: NM_000053.3(ATP7B):c.2691dupT(Q898Sfs*21) is a frameshift variant classified as pathogenic in the context of Wilson disease. Q898Sfs*21 has not been observed in cases with relevant disease. Relevant functional assessments of this variant are not available in the literature. Q898Sfs*21 has not been observed in referenced population frequency databases. In summary, NM_000053.3(ATP7B):c.2691dupT(Q898Sfs*21) is a frameshift variant in a gene where loss of function is a known mechanism of disease and is predicted to disrupt protein function. Please note: this variant was assessed in the context of healthy population screening.